The following is an entry in ClinVar:

NM_001018115.3(FANCD2):c.2609G>T (p.Arg870Met)

Genes: FANCD2 (FA complementation group D2; plus strand), LOC107303338 (3p25 FANCD2 Alu-mediated recombination region; plus strand). Cytogenetic location: 3p25.3.
Variant type: single nucleotide variant.
Coding change: c.2609G>T on transcript NM_001018115.3 (MANE Select); coding-DNA position 2609, G replaced by T.
Protein change: p.Arg870Met; replaces arginine 870 with methionine.
Molecular consequence: missense variant.
Genome position (GRCh38, 1-based): chr3:10,073,256, G>T. VCF-style: chr3-10073256-G-T. GRCh37 (hg19) VCF-style: chr3-10114940-G-T.
Other names: c.2609G>T (NM_033084.4); c.2609G>T, p.Arg870Met (NM_001319984.2, NM_001374254.1, NM_033084.6); c.2498G>T, p.Arg833Met (NM_001374253.1); short protein forms R833M, R870M.
Identifiers: ClinVar variation 2144347 (VCV002144347.2), dbSNP rs574060125, ClinGen allele CA2250141.

ClinVar aggregate classification (germline): Uncertain significance. Review status: criteria provided, multiple submitters, no conflicts (2 of 4 stars). 2 submissions from 2 submitters: Uncertain significance (2). Last evaluated 2024-02-19.

Conditions:
Fanconi anemia (FA). Also called: Fanconi's anemia. Identifiers: Orphanet 84, MedGen C0015625, MeSH D005199, MONDO:0019391.
Fanconi anemia complementation group D2. Also called: FANCONI ANEMIA, COMPLEMENTATION GROUP D; FANCONI PANCYTOPENIA, TYPE 4; FANCD2-Related Fanconi Anemia. Identifiers: Orphanet 84, MedGen C3160738, MONDO:0009214, OMIM 227646.

Allele frequency attached by ClinVar (database versions not stated): TOPMed below 0.00001; gnomAD 0.00003; ExAC 0.00014; 1000 Genomes Project 0.00040; 1000 Genomes Project 30x 0.00047.
gnomAD v4.1: 113 of 1,612,652 alleles (0.007%); highest among the groups gnomAD compares: South Asian, 0.12%; 1 homozygote.

Submissions (2):

Fulgent Genetics
Classification: Uncertain significance for Fanconi anemia complementation group D2. Last evaluated: 2024-02-19. Review status: criteria provided, single submitter. Criteria: ACMG Guidelines, 2015. Collection method: clinical testing. Allele origin: germline.

Labcorp Genetics (formerly Invitae), Labcorp
Classification: Uncertain significance for Fanconi anemia. Last evaluated: 2021-12-29. Review status: criteria provided, single submitter. Criteria: Invitae Variant Classification Sherloc (09022015). Collection method: clinical testing. Allele origin: germline.
Comment: This sequence change replaces arginine, which is basic and polar, with methionine, which is neutral and non-polar, at codon 870 of the FANCD2 protein (p.Arg870Met). This variant is present in population databases (rs574060125, gnomAD 0.1%). This variant has not been reported in the literature in individuals affected with FANCD2-related conditions. Algorithms developed to predict the effect of missense changes on protein structure and function are either unavailable or do not agree on the potential impact of this missense change (SIFT: "Deleterious"; PolyPhen-2: "Possibly Damaging"; Align-GVGD: "Class C0"). In summary, the available evidence is currently insufficient to determine the role of this variant in disease. Therefore, it has been classified as a Variant of Uncertain Significance.